The following is an entry in ClinVar:

ClinVar aggregate classification (germline): Pathogenic (1 of 4 stars; one submission).

Conditions:
Werner syndrome (WRN). Identifiers: Orphanet 902, MedGen C0043119, MONDO:0010196, OMIM 277700.

Submission:

Labcorp Genetics (formerly Invitae), Labcorp
Classification: Pathogenic for Werner syndrome. Last evaluated: 2022-02-24. Review status: criteria provided, single submitter. Criteria: Invitae Variant Classification Sherloc (09022015). Collection method: clinical testing. Allele origin: germline.
Comment: This sequence change creates a premature translational stop signal (p.Lys610*) in the WRN gene. It is expected to result in an absent or disrupted protein product. Loss-of-function variants in WRN are known to be pathogenic (PMID: 16673358). This variant is not present in population databases (gnomAD no frequency). For these reasons, this variant has been classified as Pathogenic. This variant has not been reported in the literature in individuals affected with WRN-related conditions. ClinVar contains an entry for this variant (Variation ID: 860775).

Literature cited by the submitters: PubMed 16673358.

NM_000553.6(WRN):c.1828A>T (p.Lys610Ter)

Gene: WRN (WRN RecQ like helicase; plus strand). Cytogenetic location: 8p12.
Variant type: single nucleotide variant.
Coding change: c.1828A>T on transcript NM_000553.6 (MANE Select); coding-DNA position 1828, A replaced by T.
Protein change: p.Lys610Ter; replaces lysine 610 with a stop codon.
Molecular consequence: nonsense.
Genome position (GRCh38, 1-based): chr8:31,090,941, A>T. VCF-style: chr8-31090941-A-T. GRCh37 (hg19) VCF-style: chr8-30948457-A-T.
Other names: short protein forms K610*.
Identifiers: ClinVar variation 860775 (VCV000860775.6), dbSNP rs1813725603, ClinGen allele CA370928255.